The following is an entry in ClinVar:

ClinVar aggregate classification (germline): Uncertain significance (1 of 4 stars; one submission).

gnomAD v4.1: 6 of 746,342 alleles (0.0008%); highest among the groups gnomAD compares: African/African-American, 0.0019%; no homozygotes.

Submission:

Labcorp Genetics (formerly Invitae), Labcorp
Classification: Uncertain significance. Last evaluated: 2025-07-05. Review status: criteria provided, single submitter. Criteria: Invitae Variant Classification Sherloc (09022015). Collection method: clinical testing. Allele origin: germline.
Comment: This sequence change replaces threonine, which is neutral and polar, with methionine, which is neutral and non-polar, at codon 525 of the SEPT9 protein (p.Thr525Met). The frequency data for this variant in the population databases is considered unreliable, as metrics indicate poor data quality at this position in the gnomAD database. This variant has not been reported in the literature in individuals affected with SEPT9-related conditions. An algorithm developed to predict the effect of missense changes on protein structure and function (PolyPhen-2) suggests that this variant is likely to be disruptive. In summary, the available evidence is currently insufficient to determine the role of this variant in disease. Therefore, it has been classified as a Variant of Uncertain Significance.

NM_001113491.2(SEPTIN9):c.1628C>T (p.Thr543Met)

Gene: SEPTIN9 (septin 9; plus strand). Cytogenetic location: 17q25.3.
Variant type: single nucleotide variant.
Coding change: c.1628C>T on transcript NM_001113491.2 (MANE Select); coding-DNA position 1628, C replaced by T.
Protein change: p.Thr543Met; replaces threonine 543 with methionine.
Molecular consequence: missense variant.
Genome position (GRCh38, 1-based): chr17:77,498,525, C>T. VCF-style: chr17-77498525-C-T. GRCh37 (hg19) VCF-style: chr17-75494607-C-T.
Other names: c.1136C>T, p.Thr379Met (NM_001113492.2, NM_001113494.1); c.1607C>T, p.Thr536Met (NM_001113493.2); c.875C>T, p.Thr292Met (NM_001113495.2, NM_001113496.2, NM_001293697.2 and 1 more transcripts); c.1571C>T, p.Thr524Met (NM_001293695.2); c.956C>T, p.Thr319Met (NM_001293696.2); c.1574C>T, p.Thr525Met (NM_006640.5); short protein forms T525M, T536M, T319M, T379M, T292M, T524M, T543M.
Identifiers: ClinVar variation 4697563 (VCV004697563.1).